The following is an entry in ClinVar:

NM_001846.4(COL4A2):c.1308C>T (p.Pro436=)

Gene: COL4A2 (collagen type IV alpha 2 chain; plus strand). Cytogenetic location: 13q34.
Variant type: single nucleotide variant.
Coding change: c.1308C>T on transcript NM_001846.4 (MANE Select); coding-DNA position 1308, C replaced by T.
Protein change: p.Pro436=; no amino-acid change (proline 436 retained).
Molecular consequence: synonymous variant.
Genome position (GRCh38, 1-based): chr13:110,450,423, C>T. VCF-style: chr13-110450423-C-T. GRCh37 (hg19) VCF-style: chr13-111102770-C-T.
Other names: p.Pro436=.
Identifiers: ClinVar variation 311123 (VCV000311123.16), dbSNP rs78615289, ClinGen allele CA7049371.

ClinVar aggregate classification (germline): Benign. Review status: criteria provided, multiple submitters, no conflicts (2 of 4 stars). 4 submissions from 4 submitters: Benign (4). Last evaluated 2026-01-29.

Conditions:
Brain small vessel disease 2A, autosomal dominant. Also called: Porencephaly 2. Identifiers: Orphanet 2940, Orphanet 99810, MedGen C3280970, MONDO:0013773, OMIM 614483.

Allele frequency attached by ClinVar (database versions not stated): gnomAD exomes 0.00210; ExAC 0.00261; gnomAD 0.00806; ESP Exome Variant Server 0.00859; TOPMed 0.00937; 1000 Genomes Project 30x 0.01202; 1000 Genomes Project 0.01238.
gnomAD v4.1: 2,673 of 1,613,898 alleles (0.17%); highest among the groups gnomAD compares: African/African-American, 3.1%; 35 homozygotes.

Submissions (4):

Labcorp Genetics (formerly Invitae), Labcorp
Classification: Benign. Last evaluated: 2026-01-29. Review status: criteria provided, single submitter. Criteria: Invitae Variant Classification Sherloc (09022015). Collection method: clinical testing. Allele origin: germline.

Mayo Clinic Laboratories, Mayo Clinic
Classification: Benign. Last evaluated: 2024-09-10. Review status: criteria provided, single submitter. Criteria: ACMG Guidelines, 2015. Collection method: clinical testing. Allele origin: germline. Observed: 4 variant alleles.
Comment: BS1, BS2, BP4, BP7

Illumina Laboratory Services, Illumina
Classification: Benign for Brain small vessel disease 2A, autosomal dominant. Last evaluated: 2018-01-12. Review status: criteria provided, single submitter. Criteria: ICSL Variant Classification Criteria 13 December 2019. Collection method: clinical testing. Allele origin: germline.
Comment: This variant was observed in the ICSL laboratory as part of a predisposition screen in an ostensibly healthy population. It had not been previously curated by ICSL or reported in the Human Gene Mutation Database (HGMD: prior to June 1st, 2018), and was therefore a candidate for classification through an automated scoring system. Utilizing variant allele frequency, disease prevalence and penetrance estimates, and inheritance mode, an automated score was calculated to assess if this variant is too frequent to cause the disease. Based on the score and internal cut-off values, a variant classified as benign is not then subjected to further curation. The score for this variant resulted in a classification of benign for this disease.

Breakthrough Genomics
Classification: Benign. Review status: criteria provided, single submitter. Criteria: ACMG Guidelines, 2015. Collection method: not provided. Allele origin: germline. Inheritance: Autosomal dominant inheritance. Affected: yes.